The following is an entry in ClinVar:

NM_024426.6(WT1):c.-110C>T

Genes: WT1 (WT1 transcription factor; minus strand), LOC107982234 (WT1/WT1-AS bi-directional promoter region; plus strand). Cytogenetic location: 11p13.
Variant type: single nucleotide variant.
Coding change: c.-110C>T on transcript NM_024426.6 (MANE Select); 110 bases upstream of the start codon, C replaced by T.
Molecular consequence: 5 prime UTR variant. On other transcripts: non-coding transcript variant (1).
Genome position (GRCh38, 1-based): chr11:32,435,470, G>A on the plus strand (C>T on the coding strand, the complement: WT1 is on the minus strand). VCF-style: chr11-32435470-G-A. GRCh37 (hg19) VCF-style: chr11-32457016-G-A.
Other names: c.-110C>T (NM_000378.6, NM_024424.5).
Identifiers: ClinVar variation 304439 (VCV000304439.32), dbSNP rs886048241, ClinGen allele CA10630780.

ClinVar aggregate classification (germline): Conflicting classifications of pathogenicity. Review status: criteria provided, conflicting classifications (1 of 4 stars). 5 submissions from 3 submitters: Uncertain significance (3); Benign (1). 1 of the submissions does not count toward it. Last evaluated 2023-05-01.

Conditions:
WT1-related disorder. Also called: WT1-related disorders. Identifiers: MedGen CN377814.
Nephrotic syndrome, type 4 (NPHS4). Also called: Familial mesangial sclerosis; Nephrotic syndrome, early onset with diffuse mesangial sclerosis. Identifiers: Orphanet 656, MedGen C3151568, MONDO:0009733, OMIM 256370.
Meacham syndrome. Also called: Meacham Winn Culler syndrome. Identifiers: Orphanet 3097, MedGen C1837026, MONDO:0012164, OMIM 608978.
Wilms tumor 1 (WT1). Also called: Wilms tumor, somatic. Identifiers: Orphanet 654, MedGen CN033288, MONDO:0008679, OMIM 194070.

Allele frequency attached by ClinVar (database versions not stated): gnomAD exomes 0.00001; gnomAD 0.00048; TOPMed 0.00054; 1000 Genomes Project 30x 0.00078.

Submissions (5):

CeGaT Center for Human Genetics Tuebingen
Classification: Benign. Last evaluated: 2023-05-01. Review status: criteria provided, single submitter. Criteria: CeGaT Center For Human Genetics Tuebingen Variant Classification Criteria Version 2. Collection method: clinical testing. Allele origin: germline. Affected: yes. Observed: 1 variant allele.
Comment: WT1: BS1, BS2

Illumina Laboratory Services, Illumina
Classification: Uncertain significance for Wilms tumor 1. Last evaluated: 2018-01-13. Review status: criteria provided, single submitter. Criteria: ICSL Variant Classification Criteria 13 December 2019. Collection method: clinical testing. Allele origin: germline.

Illumina Laboratory Services, Illumina
Classification: Uncertain significance for Meacham syndrome. Last evaluated: 2018-01-13. Review status: criteria provided, single submitter. Criteria: ICSL Variant Classification Criteria 13 December 2019. Collection method: clinical testing. Allele origin: germline.

Illumina Laboratory Services, Illumina
Classification: Uncertain significance for Nephrotic syndrome, type 4. Last evaluated: 2018-01-13. Review status: criteria provided, single submitter. Criteria: ICSL Variant Classification Criteria 13 December 2019. Collection method: clinical testing. Allele origin: germline.

PreventionGenetics, part of Exact Sciences
Classification: Likely benign for WT1-related condition. Last evaluated: 2024-04-26. Review status: no assertion criteria provided. Collection method: clinical testing. Allele origin: germline. Not counted in ClinVar's aggregate classification.
Comment: This variant is classified as likely benign based on ACMG/AMP sequence variant interpretation guidelines (Richards et al. 2015 PMID: 25741868, with internal and published modifications).